The following is an entry in ClinVar:

ClinVar aggregate classification (germline): Uncertain significance (1 of 4 stars; one submission).

Submission:

Labcorp Genetics (formerly Invitae), Labcorp
Classification: Uncertain significance. Last evaluated: 2022-04-11. Review status: criteria provided, single submitter. Criteria: Invitae Variant Classification Sherloc (09022015). Collection method: clinical testing. Allele origin: germline.
Comment: This sequence change replaces methionine, which is neutral and non-polar, with valine, which is neutral and non-polar, at codon 846 of the ANK3 protein (p.Met846Val). In summary, the available evidence is currently insufficient to determine the role of this variant in disease. Therefore, it has been classified as a Variant of Uncertain Significance. Algorithms developed to predict the effect of missense changes on protein structure and function are either unavailable or do not agree on the potential impact of this missense change (SIFT: "Not Available"; PolyPhen-2: "Benign"; Align-GVGD: "Not Available"). This variant has not been reported in the literature in individuals affected with ANK3-related conditions. This variant is not present in population databases (gnomAD no frequency).

NM_020987.5(ANK3):c.2536A>G (p.Met846Val)

Gene: ANK3 (ankyrin 3; minus strand). Cytogenetic location: 10q21.2.
Variant type: single nucleotide variant.
Coding change: c.2536A>G on transcript NM_020987.5 (MANE Select); coding-DNA position 2536, A replaced by G.
Protein change: p.Met846Val; replaces methionine 846 with valine.
Molecular consequence: missense variant.
Genome position (GRCh38, 1-based): chr10:60,166,839, T>C on the plus strand (A>G on the coding strand, the complement: ANK3 is on the minus strand). VCF-style: chr10-60166839-T-C. GRCh37 (hg19) VCF-style: chr10-61926597-T-C.
Other names: c.2518A>G, p.Met840Val (NM_001204403.2); c.2485A>G, p.Met829Val (NM_001204404.2); c.2536A>G, p.Met846Val (NM_001320874.2); short protein forms M840V, M829V, M846V.
Identifiers: ClinVar variation 2106570 (VCV002106570.4), dbSNP rs2493185699, ClinGen allele CA376983131.